The following is an entry in ClinVar:

NM_032578.4(MYPN):c.3285+15C>T

Gene: MYPN (myopalladin; plus strand). Cytogenetic location: 10q21.3.
Variant type: single nucleotide variant.
Coding change: c.3285+15C>T on transcript NM_032578.4 (MANE Select); 15 bases into the intron after coding-DNA position 3285, C replaced by T.
Molecular consequence: intron variant.
Genome position (GRCh38, 1-based): chr10:68,197,493, C>T. VCF-style: chr10-68197493-C-T. GRCh37 (hg19) VCF-style: chr10-69957250-C-T.
Other names: c.3285+15C>T (NM_001256267.2); c.2403+15C>T (NM_001256268.2).
Identifiers: ClinVar variation 507189 (VCV000507189.3), dbSNP rs1554850514, ClinGen allele CA658797429.

ClinVar aggregate classification (germline): Likely benign. Review status: criteria provided, multiple submitters, no conflicts (2 of 4 stars). 2 submissions from 2 submitters: Likely benign (2). Last evaluated 2024-05-11.

Conditions:
Dilated cardiomyopathy 1KK (CMD1KK). Identifiers: Orphanet 154, Orphanet 75249, MedGen C3714995, MONDO:0014100, OMIM 615248.

Allele frequency attached by ClinVar (database versions not stated): gnomAD 0.00001.
gnomAD v4.1: 1 of 1,613,152 alleles (0.000062%); highest among the groups gnomAD compares: East Asian, 0.0022%; no homozygotes.

Submissions (2):

Labcorp Genetics (formerly Invitae), Labcorp
Classification: Likely benign for Dilated cardiomyopathy 1KK. Last evaluated: 2024-05-11. Review status: criteria provided, single submitter. Criteria: Invitae Variant Classification Sherloc (09022015). Collection method: clinical testing. Allele origin: germline.

GeneDx
Classification: Likely benign. Last evaluated: 2017-02-16. Review status: criteria provided, single submitter. Criteria: GeneDx Variant Classification (06012015). Collection method: clinical testing. Allele origin: germline. Affected: yes.
Comment: This variant is considered likely benign or benign based on one or more of the following criteria: it is a conservative change, it occurs at a poorly conserved position in the protein, it is predicted to be benign by multiple in silico algorithms, and/or has population frequency not consistent with disease.